The following is an entry in ClinVar:

ClinVar aggregate classification (germline): Pathogenic (1 of 4 stars; one submission).

Submission:

Labcorp Genetics (formerly Invitae), Labcorp
Classification: Pathogenic. Last evaluated: 2024-04-30. Review status: criteria provided, single submitter. Criteria: Invitae Variant Classification Sherloc (09022015). Collection method: clinical testing. Allele origin: germline.
Comment: This sequence change creates a premature translational stop signal (p.Arg404Lysfs*19) in the ACBD5 gene. It is expected to result in an absent or disrupted protein product. Loss-of-function variants in ACBD5 are known to be pathogenic (PMID: 23105016, 27799409). This variant is not present in population databases (gnomAD no frequency). This variant has not been reported in the literature in individuals affected with ACBD5-related conditions. For these reasons, this variant has been classified as Pathogenic.

Literature cited by the submitters: PubMed 23105016; PubMed 27799409.

NM_145698.5(ACBD5):c.1210dup (p.Arg404fs)

Gene: ACBD5 (acyl-CoA binding domain containing 5; minus strand). Cytogenetic location: 10p12.1.
Variant type: Duplication.
Coding change: c.1210dup on transcript NM_145698.5 (MANE Select); coding-DNA position 1210, one base duplicated (A; older notation c.1210dupA).
Protein change: p.Arg404fs; shifts the reading frame from arginine 404.
Molecular consequence: frameshift variant.
Genome position (GRCh38, 1-based): chr10:27,208,440, T duplicated on the plus strand (A on the coding strand, the reverse complement: ACBD5 is on the minus strand). VCF-style (leftmost placement, unchanged base first): chr10-27208439-C-CT. GRCh37 (hg19) VCF-style: chr10-27497368-C-CT.
Other names: c.1237dup, p.Arg413fs (NM_001352571.1); c.1231dup, p.Arg411fs (NM_001352572.1); c.1189dup, p.Arg397fs (NM_001352573.1); c.1138dup, p.Arg380fs (NM_001352574.2, NM_001352575.2, NM_001352576.2); c.1105dup, p.Arg369fs (NM_001352577.2, NM_001352578.2, NM_001352579.2 and 1 more transcripts); c.1051dup, p.Arg351fs (NM_001352580.2); c.1039dup, p.Arg347fs (NM_001352581.1); c.901dup, p.Arg301fs (NM_001352582.2); and 10 more; short protein forms R295fs, R301fs, R397fs, R336fs, R351fs, R422fs, R306fs, R334fs.
Identifiers: ClinVar variation 3651701 (VCV003651701.2).